The following is an entry in ClinVar:

ClinVar aggregate classification (germline): Likely benign. Review status: criteria provided, single submitter (1 of 4 stars). 2 submissions from 2 submitters: Likely benign (1). 1 of the submissions does not count toward it. Last evaluated 2022-12-01.

Conditions:
PIK3C2B-related disorder. Also called: PIK3C2B-related condition.

Allele frequency attached by ClinVar (database versions not stated): 1000 Genomes Project 30x 0.00016; 1000 Genomes Project 0.00020; gnomAD 0.00053; ExAC 0.00058; ESP Exome Variant Server 0.00131.
gnomAD v4.1: 1,516 of 1,614,158 alleles (0.094%); highest among the groups gnomAD compares: Non-Finnish European, 0.12%; 1 homozygote.

Submissions (2):

CeGaT Center for Human Genetics Tuebingen
Classification: Likely benign. Last evaluated: 2022-12-01. Review status: criteria provided, single submitter. Criteria: CeGaT Center For Human Genetics Tuebingen Variant Classification Criteria Version 2. Collection method: clinical testing. Allele origin: germline. Affected: yes. Observed: 1 variant allele.
Comment: PIK3C2B: BP4, BP7

PreventionGenetics, part of Exact Sciences
Classification: Likely benign for PIK3C2B-related condition. Last evaluated: 2019-03-08. Review status: no assertion criteria provided. Collection method: clinical testing. Allele origin: germline. Not counted in ClinVar's aggregate classification.
Comment: This variant is classified as likely benign based on ACMG/AMP sequence variant interpretation guidelines (Richards et al. 2015 PMID: 25741868, with internal and published modifications).

NM_001377334.1(PIK3C2B):c.726G>A (p.Ser242=)

Gene: PIK3C2B (phosphatidylinositol-4-phosphate 3-kinase catalytic subunit type 2 beta; minus strand). Cytogenetic location: 1q32.1.
Variant type: single nucleotide variant.
Coding change: c.726G>A on transcript NM_001377334.1 (MANE Select); coding-DNA position 726, G replaced by A.
Protein change: p.Ser242=; no amino-acid change (serine 242 retained).
Molecular consequence: synonymous variant.
Genome position (GRCh38, 1-based): chr1:204,469,077, C>T on the plus strand (G>A on the coding strand, the complement: PIK3C2B is on the minus strand). VCF-style: chr1-204469077-C-T. GRCh37 (hg19) VCF-style: chr1-204438205-C-T.
Other names: c.726G>A (NM_002646.3); c.726G>A, p.Ser242= (NM_001377335.1, NM_002646.4).
Identifiers: ClinVar variation 2639830 (VCV002639830.25), dbSNP rs146926130, ClinGen allele CA1348302.